The following is an entry in ClinVar:

NM_001303052.2(MYT1L):c.3446_3448del (p.Asp1149del)

Gene: MYT1L (myelin transcription factor 1 like; minus strand). Cytogenetic location: 2p25.3.
Variant type: Deletion.
Coding change: c.3446_3448del on transcript NM_001303052.2 (MANE Select); coding-DNA positions 3446 to 3448, 3 bases deleted (ATG; older notation c.3446_3448delATG).
Protein change: p.Asp1149del; deletes aspartic acid 1149.
Molecular consequence: 3 prime UTR variant (on NM_001329851.3). On other transcripts: intron variant (2).
Genome position (GRCh38, 1-based): chr2:1,791,980-1,791,982, CAT deleted on the plus strand (ATG on the coding strand, the reverse complement: MYT1L is on the minus strand); deleting any 3 consecutive bases within chr2:1,791,980-1,791,984 gives the same sequence; the c. name uses the placement nearest the transcript's 3' end. VCF-style (leftmost placement, unchanged base first): chr2-1791979-GCAT-G. GRCh37 (hg19) VCF-style: chr2-1795751-GCAT-G.
Other names: c.3446_3448del, p.Asp1149del (NM_001329844.2, NM_001329845.1); c.3440_3442del, p.Asp1147del (NM_001329847.2, NM_001329848.1, NM_015025.4); c.*327_*329del (NM_001329851.3, NM_001329852.3); c.3420+339_3420+341del (NM_001329849.3); c.3414+339_3414+341del (NM_001329846.3); short protein forms D1147del, D1149del.
Identifiers: ClinVar variation 4812862 (VCV004812862.1).
Genomic context (GRCh38, chr2:1,791,979, plus strand): 5'-TTTTCTGGACTCTGATAACGATCTTGATTTGTATACATTTCCGTCAAAGTAGTCACGTAA[GCAT>G]CAAAATTTTGTTCATTGATTGGATCCTACGAGATATTAAATAGTAGTTCATATACAACTT-3'

ClinVar aggregate classification (germline): Uncertain significance (1 of 4 stars; one submission).

Conditions:
Early onset severe obesity. Identifiers: MedGen C4013980.

Submission:

Cambridge Genomics Laboratory, East Genomic Laboratory Hub, NHS Genomic Medicine Service
Classification: Uncertain significance for Severe early-onset obesity. Last evaluated: 2023-12-04. Review status: criteria provided, single submitter. Criteria: ACGS Best Practice Guidelines for Variant Classification in Rare Disease 2020. Collection method: clinical testing. Allele origin: germline. Affected: yes.
Comment: The p.Asp1147del variant is novel (not in any individuals) in gnomAD All. The p.Asp1147del variant is novel (not in any individuals) in 1kG All. The p.Asp1147del variant is novel (not in any individuals) in gnomAD Genomes v3 All. (PM2 - Moderate) | The p.Asp1147del variant is not in a repeat region. The p.Asp1147del variant results in a deletion of 3 bases that are predicted conserved by GERP++ and PhyloP. (PM4_Supporting - Supporting)